The following is an entry in ClinVar:

NM_000231.3(SGCG):c.533del (p.His177_Ser178insTer)

Gene: SGCG (sarcoglycan gamma; plus strand). Cytogenetic location: 13q12.12.
Variant type: Deletion.
Coding change: c.533del on transcript NM_000231.3 (MANE Select); coding-DNA position 533, one base deleted (C; older notation c.533delC).
Protein change: p.His177_Ser178insTer.
Molecular consequence: nonsense.
Genome position (GRCh38, 1-based): chr13:23,295,442, C deleted. VCF-style (leftmost placement, unchanged base first): chr13-23295441-TC-T. GRCh37 (hg19) VCF-style: chr13-23869580-TC-T.
Other names: c.587del, p.His195_Ser196insTer (NM_001378244.1); c.533del, p.His177_Ser178insTer (NM_001378245.1, NM_001378246.1).
Identifiers: ClinVar variation 1391542 (VCV001391542.6), dbSNP rs1180551378, ClinGen allele CA608623182.

ClinVar aggregate classification (germline): Pathogenic (1 of 4 stars; one submission).

Conditions:
Autosomal recessive limb-girdle muscular dystrophy type 2C (LGMDR5). Also called: MUSCULAR DYSTROPHY, LIMB-GIRDLE, AUTOSOMAL RECESSIVE 5; MUSCULAR DYSTROPHY, DUCHENNE-LIKE. Identifiers: Orphanet 353, MedGen C0410173, MONDO:0009677, OMIM 253700. Disease mechanism: Affects gamma-sarcoglycan and also disrupts the integrity of the entire sarcoglycan complex..

Allele frequency attached by ClinVar (database versions not stated): gnomAD exomes below 0.00001.

Submission:

Labcorp Genetics (formerly Invitae), Labcorp
Classification: Pathogenic for Autosomal recessive limb-girdle muscular dystrophy type 2C. Last evaluated: 2020-11-01. Review status: criteria provided, single submitter. Criteria: Invitae Variant Classification Sherloc (09022015). Collection method: clinical testing. Allele origin: germline.
Comment: For these reasons, this variant has been classified as Pathogenic. This variant has not been reported in the literature in individuals with SGCG-related conditions. This variant is not present in population databases (ExAC no frequency). This sequence change creates a premature translational stop signal (p.Ser178*) in the SGCG gene. It is expected to result in an absent or disrupted protein product. Loss-of-function variants in SGCG are known to be pathogenic (PMID: 18285821).

Literature cited by the submitters: PubMed 18285821.